The following is an entry in ClinVar:

ClinVar aggregate classification (germline): Uncertain significance. Review status: criteria provided, multiple submitters, no conflicts (2 of 4 stars). 2 submissions from 2 submitters: Uncertain significance (2). Last evaluated 2026-05-13.

Conditions:
Hereditary cancer-predisposing syndrome. Also called: Hereditary Cancer Syndrome; Tumor predisposition; Hereditary neoplastic syndrome; Neoplastic Syndromes, Hereditary. Identifiers: Orphanet 140162, MedGen C0027672, MeSH D009386, MONDO:0015356.
Peutz-Jeghers syndrome (PJS). Also called: POLYPOSIS, HAMARTOMATOUS INTESTINAL; POLYPS-AND-SPOTS SYNDROME; Peutz-Jeghers polyposis; Periorificial lentiginosis syndrome. Identifiers: Orphanet 2869, MedGen C0031269, MeSH D010580, MONDO:0008280, OMIM 175200.

Allele frequency attached by ClinVar (database versions not stated): gnomAD exomes below 0.00001.
gnomAD v4.1: 1 of 1,610,188 alleles (0.000062%); highest among the groups gnomAD compares: Non-Finnish European, 0.000085%; no homozygotes.

Submissions (2):

Ambry Genetics
Classification: Uncertain significance for Hereditary cancer-predisposing syndrome. Last evaluated: 2026-05-13. Review status: criteria provided, single submitter. Criteria: Ambry Variant Classification Scheme 2023. Collection method: clinical testing. Allele origin: germline.
Comment: The p.E223K variant (also known as c.667G>A), located in coding exon 5 of the STK11 gene, results from a G to A substitution at nucleotide position 667. The glutamic acid at codon 223 is replaced by lysine, an amino acid with similar properties. Based on internal structural analysis, this variant is anticipated to result in a significant decrease in structural stability (internal data). This amino acid position is highly conserved in available vertebrate species. In addition, this alteration is predicted to be deleterious by in silico analysis. Since supporting evidence is limited at this time, the clinical significance of this alteration remains unclear.

Labcorp Genetics (formerly Invitae), Labcorp
Classification: Uncertain significance for Peutz-Jeghers syndrome. Last evaluated: 2022-11-19. Review status: criteria provided, single submitter. Criteria: Invitae Variant Classification Sherloc (09022015). Collection method: clinical testing. Allele origin: germline.
Comment: In summary, the available evidence is currently insufficient to determine the role of this variant in disease. Therefore, it has been classified as a Variant of Uncertain Significance. This sequence change replaces glutamic acid, which is acidic and polar, with lysine, which is basic and polar, at codon 223 of the STK11 protein (p.Glu223Lys). The frequency data for this variant in the population databases is considered unreliable, as metrics indicate poor data quality at this position in the gnomAD database. This variant has not been reported in the literature in individuals affected with STK11-related conditions. ClinVar contains an entry for this variant (Variation ID: 403785). Advanced modeling of protein sequence and biophysical properties (such as structural, functional, and spatial information, amino acid conservation, physicochemical variation, residue mobility, and thermodynamic stability) performed at Invitae indicates that this missense variant is expected to disrupt STK11 protein function.

NM_000455.5(STK11):c.667G>A (p.Glu223Lys)

Gene: STK11 (serine/threonine kinase 11; plus strand). Cytogenetic location: 19p13.3.
Variant type: single nucleotide variant.
Coding change: c.667G>A on transcript NM_000455.5 (MANE Select); coding-DNA position 667, G replaced by A.
Protein change: p.Glu223Lys; replaces glutamic acid 223 with lysine.
Molecular consequence: missense variant.
Genome position (GRCh38, 1-based): chr19:1,220,650, G>A. VCF-style: chr19-1220650-G-A. GRCh37 (hg19) VCF-style: chr19-1220649-G-A.
Other names: short protein forms E223K.
Identifiers: ClinVar variation 403785 (VCV000403785.12), dbSNP rs1060499964, ClinGen allele CA16616011.